The following is an entry in ClinVar:

ClinVar aggregate classification (germline): Uncertain significance (1 of 4 stars; one submission).

Conditions:
Perlman syndrome (PRLMNS). Identifiers: Orphanet 2849, MedGen C0796113, MONDO:0009965, OMIM 267000.

Allele frequency attached by ClinVar (database versions not stated): gnomAD 0.00001; TOPMed 0.00001.

Submission:

Labcorp Genetics (formerly Invitae), Labcorp
Classification: Uncertain significance for Perlman syndrome. Last evaluated: 2025-01-27. Review status: criteria provided, single submitter. Criteria: Invitae Variant Classification Sherloc (09022015). Collection method: clinical testing. Allele origin: germline.
Comment: This sequence change replaces serine, which is neutral and polar, with proline, which is neutral and non-polar, at codon 37 of the DIS3L2 protein (p.Ser37Pro). This variant is present in population databases (no rsID available, gnomAD 0.01%). This variant has not been reported in the literature in individuals affected with DIS3L2-related conditions. ClinVar contains an entry for this variant (Variation ID: 1409204). An algorithm developed to predict the effect of missense changes on protein structure and function (PolyPhen-2) suggests that this variant is likely to be tolerated. In summary, the available evidence is currently insufficient to determine the role of this variant in disease. Therefore, it has been classified as a Variant of Uncertain Significance.

NM_152383.5(DIS3L2):c.109T>C (p.Ser37Pro)

Gene: DIS3L2 (DIS3 like 3'-5' exoribonuclease 2; plus strand). Cytogenetic location: 2q37.1.
Variant type: single nucleotide variant.
Coding change: c.109T>C on transcript NM_152383.5 (MANE Select); coding-DNA position 109, T replaced by C.
Protein change: p.Ser37Pro; replaces serine 37 with proline.
Molecular consequence: missense variant. On other transcripts: non-coding transcript variant (2).
Genome position (GRCh38, 1-based): chr2:232,015,570, T>C. VCF-style: chr2-232015570-T-C. GRCh37 (hg19) VCF-style: chr2-232880280-T-C.
Other names: c.109T>C, p.Ser37Pro (NM_001257281.2, NM_001257282.2); short protein forms S37P.
Identifiers: ClinVar variation 1409204 (VCV001409204.8), dbSNP rs1489163209, ClinGen allele CA351151916.